The following is an entry in ClinVar:

ClinVar aggregate classification (germline): Pathogenic (1 of 4 stars; one submission).

Conditions:
Renal cysts and diabetes syndrome (RCAD). Also called: Familial hypoplastic, glomerulocystic kidney; MATURITY-ONSET DIABETES OF THE YOUNG, TYPE 5. Identifiers: Orphanet 93111, MedGen C0431693, MONDO:0007669, OMIM 137920.

Submission:

Institute of Human Genetics, FAU Erlangen, Friedrich-Alexander-Universität Erlangen-Nürnberg
Classification: Pathogenic for Renal cysts and diabetes syndrome. Last evaluated: 2019-07-06. Review status: criteria provided, single submitter. Criteria: ACMG Guidelines, 2015. Collection method: literature only. Allele origin: germline. Affected: yes.
Comment: This variant and it's classification has been reported by Vasileiou et al. 2019; DOI:10.1101/576918. The variants has previously been reported in PMID:20378641 as "c.3G->A,p.Met1Ile" with clinical significance Pathogenic. It has been re-classified using InterVar and manual curation as Pathogenic based on PVS1 PM2 PP3.

Literature cited by the submitters: PubMed 20378641; DOI 10.1101/576918.

NM_000458.4(HNF1B):c.3G>A (p.Met1Ile)

Gene: HNF1B (HNF1 homeobox B; minus strand). Cytogenetic location: 17q12.
Variant type: single nucleotide variant.
Coding change: c.3G>A on transcript NM_000458.4 (MANE Select); coding-DNA position 3, G replaced by A.
Protein change: p.Met1Ile; changes the start codon (methionine 1).
Molecular consequence: missense variant, initiator codon variant.
Genome position (GRCh38, 1-based): chr17:37,744,882, C>T on the plus strand (G>A on the coding strand, the complement: HNF1B is on the minus strand). VCF-style: chr17-37744882-C-T. GRCh37 (hg19) VCF-style: chr17-36104873-C-T.
Other names: c.3G>A, p.Met1Ile (NM_001165923.4, NM_001304286.2); short protein forms M1I.
Identifiers: ClinVar variation 635736 (VCV000635736.2), dbSNP rs2511853757, ClinGen allele CA398755458.